The following is an entry in ClinVar:

NM_025081.3(NYNRIN):c.4884T>A (p.Ser1628Arg)

Gene: NYNRIN (NYN domain and retroviral integrase containing; plus strand). Cytogenetic location: 14q12.
Variant type: single nucleotide variant.
Coding change: c.4884T>A on transcript NM_025081.3 (MANE Select); coding-DNA position 4884, T replaced by A.
Protein change: p.Ser1628Arg; replaces serine 1628 with arginine.
Molecular consequence: missense variant.
Genome position (GRCh38, 1-based): chr14:24,416,633, T>A. VCF-style: chr14-24416633-T-A. GRCh37 (hg19) VCF-style: chr14-24885839-T-A.
Other names: short protein forms S1628R.
Identifiers: ClinVar variation 4711060 (VCV004711060.1).

ClinVar aggregate classification (germline): Uncertain significance (1 of 4 stars; one submission).

Submission:

Labcorp Genetics (formerly Invitae), Labcorp
Classification: Uncertain significance. Last evaluated: 2025-04-22. Review status: criteria provided, single submitter. Criteria: Invitae Variant Classification Sherloc (09022015). Collection method: clinical testing. Allele origin: germline.
Comment: This sequence change replaces serine, which is neutral and polar, with arginine, which is basic and polar, at codon 1628 of the NYNRIN protein (p.Ser1628Arg). This variant is not present in population databases (gnomAD no frequency). This variant has not been reported in the literature in individuals affected with NYNRIN-related conditions. Experimental studies and prediction algorithms are not available or were not evaluated, and the functional significance of this variant is currently unknown. In summary, the available evidence is currently insufficient to determine the role of this variant in disease. Therefore, it has been classified as a Variant of Uncertain Significance.